The following is an entry in ClinVar:

ClinVar aggregate classification (germline): Pathogenic/Likely pathogenic. Review status: criteria provided, multiple submitters, no conflicts (2 of 4 stars). 5 submissions from 5 submitters: Pathogenic (2); Likely pathogenic (3). Last evaluated 2026-02-25.

Conditions:
TMIE-related disorder. Also called: TMIE-related condition.
Autosomal recessive nonsyndromic hearing loss 6. Also called: NEUROSENSORY NONSYNDROMIC RECESSIVE DEAFNESS 6. Identifiers: Orphanet 90636, MedGen C1832992, MONDO:0010965, OMIM 600971.

Allele frequency attached by ClinVar (database versions not stated): gnomAD below 0.00001 and 0.00001; gnomAD exomes 0.00001.
gnomAD v4.1: 12 of 1,281,500 alleles (0.00094%); highest among the groups gnomAD compares: South Asian, 0.03%; no homozygotes.

Submissions (5):

PreventionGenetics, part of Exact Sciences
Classification: Likely pathogenic for TMIE-related condition. Last evaluated: 2026-02-25. Review status: criteria provided, single submitter. Criteria: ACMG Guidelines, 2015. Collection method: clinical testing. Allele origin: germline.
Comment: The TMIE c.92A>G variant is predicted to result in the amino acid substitution p.Glu31Gly. This variant has been reported in the homozygous state in multiple individuals across multiple families with sensorineural hearing impairment (Ganapathy et al. 2014. PubMed ID: 24416283; Santos et al. 2006. PubMed ID: 16389551; Supplementary File 1, Pranav Chand et al. 2023. PubMed ID: 36801247). The c.92A>G variant has been reported to segregate with disease (Santos et al. 2006. PubMed ID: 16389551); however, additional familial information was not provided. This variant occurs in the penultimate nucleotide of exon 1 and is predicted to alter splicing based on available splicing prediction programs (SpliceAI, Jaganathan et al. 2019. PubMed ID: 30661751; Alamut Visual v1.6.1). However, the use of computer prediction programs is not equivalent to functional evidence. This variant is classified as likely pathogenic or pathogenic by multiple submitters in ClinVar (Variation ID: 372538), and has not been reported in a large population database (gnomAD), indicating this variant is rare. We classify this variant as likely pathogenic.

Blueprint Genetics
Classification: Pathogenic for TMIE-related disorders. Last evaluated: 2022-06-02. Review status: criteria provided, single submitter. Criteria: ACMG Guidelines, 2015. Collection method: clinical testing. Allele origin: germline. Affected: yes. Observed: 1 variant allele.

Labcorp Genetics (formerly Invitae), Labcorp
Classification: Likely pathogenic. Last evaluated: 2022-03-16. Review status: criteria provided, single submitter. Criteria: Invitae Variant Classification Sherloc (09022015). Collection method: clinical testing. Allele origin: germline.
Comment: Algorithms developed to predict the effect of missense changes on protein structure and function (SIFT, PolyPhen-2, Align-GVGD) all suggest that this variant is likely to be tolerated. In summary, the currently available evidence indicates that the variant is pathogenic, but additional data are needed to prove that conclusively. Therefore, this variant has been classified as Likely Pathogenic. Algorithms developed to predict the effect of sequence changes on RNA splicing suggest that this variant may disrupt the consensus splice site. ClinVar contains an entry for this variant (Variation ID: 372538). This missense change has been observed in individuals with autosomal recessive non-syndromic deafness (PMID: 16389551, 24416283). This variant is not present in population databases (gnomAD no frequency). This sequence change replaces glutamic acid, which is acidic and polar, with glycine, which is neutral and non-polar, at codon 31 of the TMIE protein (p.Glu31Gly).

GeneDx
Classification: Pathogenic. Last evaluated: 2015-03-19. Review status: criteria provided, single submitter. Criteria: GeneDx Variant Classification (06012015). Collection method: clinical testing. Allele origin: germline. Affected: yes.
Comment: The E31G pathogenic variant in the TMIE gene has been reported previously in several individuals with hearing loss who were homozygous for this variant (Santos et al., 2006; Ganapathy et al., 20140. The E31G variant was not observed in approximately 4,300 individuals of European and African American ancestry in the NHLBI Exome Sequencing Project, indicating it is not a common benign variant in these populations. E31G is a non-conservative amino acid substitution, which is likely to impact secondary protein structure as these residues differ in polarity, charge, size and/or other properties. This substitution occurs at a position that is conserved in mammals. In silico analysis predicts this variant is probably damaging to the protein structure/function. We interpret E31G as a pathogenic variant.

Neuberg Centre For Genomic Medicine, NCGM
Classification: Likely pathogenic for Autosomal recessive nonsyndromic hearing loss 6. Review status: criteria provided, single submitter. Criteria: ACMG Guidelines, 2015. Collection method: clinical testing. Allele origin: germline. Affected: yes.
Comment: The missense variant p.E31G in TMIE (NM_147196.2) has been previously reported in homozygous form in patients affected with sensorineural hearing loss including those of Indian origin (Santos et al, 2006; Ganapathy et al, 2014). The variant has been submiited to ClinVar as Pathogenic but no functional studies have been performed. The p.E31G variant is novel (not in any individuals) in gnomAD Exomes and is novel (not in any individuals) in 1000 Genomes. There is a moderate physicochemical difference between glutamic acid and glycine. In silico analsyis predict a damaging effect while the residue is semi-conserved across species. For these reasons, this variant has been classified as Likely Pathogenic

Literature cited by the submitters: PubMed 16389551 (cited by Labcorp Genetics (formerly Invitae), Labcorp); PubMed 24416283 (cited by Labcorp Genetics (formerly Invitae), Labcorp).

NM_147196.3(TMIE):c.92A>G (p.Glu31Gly)

Gene: TMIE (transmembrane inner ear; plus strand). Cytogenetic location: 3p21.31.
Variant type: single nucleotide variant.
Coding change: c.92A>G on transcript NM_147196.3 (MANE Select); coding-DNA position 92, A replaced by G.
Protein change: p.Glu31Gly; replaces glutamic acid 31 with glycine.
Molecular consequence: missense variant. On other transcripts: intron variant (2).
Genome position (GRCh38, 1-based): chr3:46,701,579, A>G. VCF-style: chr3-46701579-A-G. GRCh37 (hg19) VCF-style: chr3-46743069-A-G.
Other names: c.-66-4211A>G (NM_001370524.1, NM_001370525.1); short protein forms E31G.
Identifiers: ClinVar variation 372538 (VCV000372538.9), dbSNP rs1057517839, ClinGen allele CA16042503.